The following is an entry in ClinVar:

ClinVar aggregate classification (germline): Uncertain significance. Review status: criteria provided, multiple submitters, no conflicts (2 of 4 stars). 8 submissions from 8 submitters: Uncertain significance (8). Last evaluated 2026-04-14.

Conditions:
Familial intrahepatic cholestasis. Identifiers: Orphanet 284385, MedGen CN296401, MONDO:0017290.
Benign recurrent intrahepatic cholestasis type 1. Also called: SUMMERSKILL SYNDROME; Mild-to-Moderate ATP8B1 Deficiency (Benign Recurrent Intrahepatic Cholestasis 1 [BRIC1]). Identifiers: Orphanet 65682, Orphanet 99960, MedGen C4551899, MONDO:0009469, OMIM 243300.
Progressive familial intrahepatic cholestasis type 1. Also called: BYLER DISEASE; Byler's disease; Severe ATP8B1 Deficiency (Progressive Familial Intrahepatic Cholestasis Type 1 [PFIC1]). Identifiers: Orphanet 79306, MedGen C4551898, MONDO:0008892, OMIM 211600.
Cholestasis, intrahepatic, of pregnancy, 1 (ICP1). Also called: CHOLESTASIS, PREGNANCY-RELATED, 1. Identifiers: Orphanet 69665, MedGen C3549845, MONDO:0007829, OMIM 147480.

Allele frequency attached by ClinVar (database versions not stated): gnomAD 0.00002 and 0.00003; TOPMed 0.00007; ExAC 0.00008; gnomAD exomes 0.00009; ESP Exome Variant Server 0.00015; 1000 Genomes Project 30x 0.00031; 1000 Genomes Project 0.00040.
gnomAD v4.1: 145 of 1,613,952 alleles (0.009%); highest among the groups gnomAD compares: Middle Eastern, 0.79%; 3 homozygotes.

Submissions (8):

Genomenon, Inc
Classification: Uncertain significance for Familial intrahepatic cholestasis. Last evaluated: 2026-04-14. Review status: criteria provided, single submitter. Criteria: Genomenon Sequence Variant Interpretation Standards - Updated. Collection method: curation. Allele origin: germline. Affected: no.
Comment: ATP8B1 p.Arg849Gln (c.2546G>A) is a missense variant that changes the amino acid at residue 849 from Arginine to Glutamine. This variant has been reported in the published literature (PMID:37208429;26126923). It is absent or not present at a significant frequency in gnomAD. In silico models predict that this variant is not damaging. In conclusion, we classify ATP8B1 p.Arg849Gln (c.2546G>A) as a variant of uncertain significance.

Labcorp Genetics (formerly Invitae), Labcorp
Classification: Uncertain significance. Last evaluated: 2022-05-19. Review status: criteria provided, single submitter. Criteria: Invitae Variant Classification Sherloc (09022015). Collection method: clinical testing. Allele origin: germline.
Comment: This sequence change replaces arginine, which is basic and polar, with glutamine, which is neutral and polar, at codon 849 of the ATP8B1 protein (p.Arg849Gln). This variant is present in population databases (rs144656719, gnomAD 0.02%). This missense change has been observed in individual(s) with intrahepatic cholestasis (PMID: 26126923). ClinVar contains an entry for this variant (Variation ID: 383293). Algorithms developed to predict the effect of missense changes on protein structure and function output the following: SIFT: "Tolerated"; PolyPhen-2: "Benign"; Align-GVGD: "Class C0". The glutamine amino acid residue is found in multiple mammalian species, which suggests that this missense change does not adversely affect protein function. In summary, the available evidence is currently insufficient to determine the role of this variant in disease. Therefore, it has been classified as a Variant of Uncertain Significance.

Baylor Genetics
Classification: Uncertain significance for Benign recurrent intrahepatic cholestasis type 1. Last evaluated: 2019-09-06. Review status: criteria provided, single submitter. Criteria: ACMG Guidelines, 2015. Collection method: clinical testing. Allele origin: unknown. Affected: yes.
Comment: This variant was determined to be of uncertain significance according to ACMG Guidelines, 2015 [PMID:25741868].

Fulgent Genetics
Classification: Uncertain significance for Cholestasis, intrahepatic, of pregnancy, 1; Progressive familial intrahepatic cholestasis type 1; Benign recurrent intrahepatic cholestasis type 1. Last evaluated: 2018-10-31. Review status: criteria provided, single submitter. Criteria: ACMG Guidelines, 2015. Collection method: clinical testing. Allele origin: unknown.

Eurofins Ntd Llc (ga)
Classification: Uncertain significance. Last evaluated: 2018-07-24. Review status: criteria provided, single submitter. Criteria: EGL ClinVar v180209 classification definitions. Collection method: clinical testing. Allele origin: germline. Observed: 4 variant alleles, 4 heterozygotes.

Illumina Laboratory Services, Illumina
Classification: Uncertain significance for Progressive familial intrahepatic cholestasis type 1. Last evaluated: 2017-05-28. Review status: criteria provided, single submitter. Criteria: ICSL Variant Classification Criteria 13 December 2019. Collection method: clinical testing. Allele origin: germline.
Comment: This variant was observed as part of a predisposition screen in an ostensibly healthy population. A literature search was performed for the gene, cDNA change, and amino acid change (where applicable). Publications were found based on this search. However, the evidence from the literature, in combination with allele frequency data from public databases where available, was not sufficient to rule this variant in or out of causing disease. Therefore, this variant is classified as a variant of unknown significance.

GeneDx
Classification: Uncertain significance. Last evaluated: 2016-11-16. Review status: criteria provided, single submitter. Criteria: GeneDx Variant Classification (06012015). Collection method: clinical testing. Allele origin: germline. Affected: yes.
Comment: The R849Q variant has not been published as a pathogenic variant, nor has it been reported as a benign variant to our knowledge. The R849Q variant was not observed at any significant frequency in approximately 6,500 individuals of European and African American ancestry in the NHLBI Exome Sequencing Project. The R849Q variant is a semi-conservative amino acid substitution, which may impact secondary protein structure as these residues differ in some properties. This substitution occurs at a position that is not conserved, and in silico analysis predicts this variant likely does not alter the protein structure/function. In summary, based on the currently available information, it is unclear whether this variant is a pathogenic variant or a rare benign variant.

Breakthrough Genomics
Classification: Uncertain significance. Review status: criteria provided, single submitter. Criteria: ACMG Guidelines, 2015. Collection method: not provided. Allele origin: germline. Inheritance: Autosomal recessive inheritance. Affected: yes.

Literature cited by the submitters: PubMed 37208429 (cited by Genomenon, Inc); PubMed 26126923 (cited by 3 submitters).

NM_001374385.1(ATP8B1):c.2546G>A (p.Arg849Gln)

Genes: ATP8B1 (ATPase phospholipid transporting 8B1; minus strand), ATP8B1-AS1 (ATP8B1 antisense RNA 1; plus strand). Cytogenetic location: 18q21.31.
Variant type: single nucleotide variant.
Coding change: c.2546G>A on transcript NM_001374385.1 (MANE Select); coding-DNA position 2546, G replaced by A.
Protein change: p.Arg849Gln; replaces arginine 849 with glutamine.
Molecular consequence: missense variant.
Genome position (GRCh38, 1-based): chr18:57,661,335, C>T on the plus strand (G>A on the coding strand, the complement: ATP8B1 is on the minus strand). VCF-style: chr18-57661335-C-T. GRCh37 (hg19) VCF-style: chr18-55328567-C-T.
Other names: c.2396G>A, p.Arg799Gln (NM_001374386.1); c.2546G>A, p.Arg849Gln (NM_005603.6); short protein forms R849Q, R799Q.
Identifiers: ClinVar variation 383293 (VCV000383293.15), dbSNP rs144656719, ClinGen allele CA8974229.